The following is an entry in ClinVar:

NM_000094.4(COL7A1):c.1363G>T (p.Glu455Ter)

Gene: COL7A1 (collagen type VII alpha 1 chain; minus strand). Cytogenetic location: 3p21.31.
Variant type: single nucleotide variant.
Coding change: c.1363G>T on transcript NM_000094.4 (MANE Select); coding-DNA position 1363, G replaced by T.
Protein change: p.Glu455Ter; replaces glutamic acid 455 with a stop codon.
Molecular consequence: nonsense.
Genome position (GRCh38, 1-based): chr3:48,591,817, C>A on the plus strand (G>T on the coding strand, the complement: COL7A1 is on the minus strand). VCF-style: chr3-48591817-C-A. GRCh37 (hg19) VCF-style: chr3-48629250-C-A.
Other names: short protein forms E455*.
Identifiers: ClinVar variation 2203383 (VCV002203383.4), dbSNP rs2531315765, ClinGen allele CA352735241.

ClinVar aggregate classification (germline): Pathogenic (1 of 4 stars; one submission).

Allele frequency attached by ClinVar (database versions not stated): gnomAD exomes below 0.00001.
gnomAD v4.1: 1 of 1,614,178 alleles (0.000062%); highest among the groups gnomAD compares: Non-Finnish European, 0.000085%; no homozygotes.

Submission:

Labcorp Genetics (formerly Invitae), Labcorp
Classification: Pathogenic. Last evaluated: 2022-01-06. Review status: criteria provided, single submitter. Criteria: Invitae Variant Classification Sherloc (09022015). Collection method: clinical testing. Allele origin: germline.
Comment: This sequence change creates a premature translational stop signal (p.Glu455*) in the COL7A1 gene. It is expected to result in an absent or disrupted protein product. Loss-of-function variants in COL7A1 are known to be pathogenic (PMID: 16971478). This variant is not present in population databases (gnomAD no frequency). This premature translational stop signal has been observed in individual(s) with dystrophic epidermolysis bullosa (PMID: 21113014). For these reasons, this variant has been classified as Pathogenic.

Literature cited by the submitters: PubMed 16971478; PubMed 21113014.